The following is an entry in ClinVar:

ClinVar aggregate classification (germline): Uncertain significance (1 of 4 stars; one submission).

Conditions:
Severe combined immunodeficiency due to DNA-PKcs deficiency. Also called: IMMUNODEFICIENCY 26 WITH NEUROLOGIC ABNORMALITIES; Immunodeficiency 26 with or without neurologic abnormalities. Identifiers: Orphanet 317425, MedGen C4014833, MONDO:0014423, OMIM 615966.

Allele frequency attached by ClinVar (database versions not stated): TOPMed 0.00004.
gnomAD v4.1: 39 of 1,612,538 alleles (0.0024%); highest among the groups gnomAD compares: Middle Eastern, 0.083%; no homozygotes.

Submission:

Labcorp Genetics (formerly Invitae), Labcorp
Classification: Uncertain significance for Severe combined immunodeficiency due to DNA-PKcs deficiency. Last evaluated: 2022-07-25. Review status: criteria provided, single submitter. Criteria: Invitae Variant Classification Sherloc (09022015). Collection method: clinical testing. Allele origin: germline.
Comment: This sequence change replaces threonine, which is neutral and polar, with proline, which is neutral and non-polar, at codon 2723 of the PRKDC protein (p.Thr2723Pro). This variant is present in population databases (rs371797273, gnomAD 0.02%). This variant has not been reported in the literature in individuals affected with PRKDC-related conditions. ClinVar contains an entry for this variant (Variation ID: 1036698). Experimental studies and prediction algorithms are not available or were not evaluated, and the functional significance of this variant is currently unknown. In summary, the available evidence is currently insufficient to determine the role of this variant in disease. Therefore, it has been classified as a Variant of Uncertain Significance.

NM_006904.7(PRKDC):c.8167A>C (p.Thr2723Pro)

Gene: PRKDC (protein kinase, DNA-activated, catalytic subunit; minus strand). Cytogenetic location: 8q11.21.
Variant type: single nucleotide variant.
Coding change: c.8167A>C on transcript NM_006904.7 (MANE Select); coding-DNA position 8167, A replaced by C.
Protein change: p.Thr2723Pro; replaces threonine 2723 with proline.
Molecular consequence: missense variant.
Genome position (GRCh38, 1-based): chr8:47,831,912, T>G on the plus strand (A>C on the coding strand, the complement: PRKDC is on the minus strand). VCF-style: chr8-47831912-T-G. GRCh37 (hg19) VCF-style: chr8-48744473-T-G.
Other names: c.8167A>C, p.Thr2723Pro (NM_001081640.2); short protein forms T2723P.
Identifiers: ClinVar variation 1036698 (VCV001036698.2), dbSNP rs371797273, ClinGen allele CA4739904.